The following is an entry in ClinVar:

ClinVar aggregate classification (germline): Likely benign. Review status: criteria provided, multiple submitters, no conflicts (2 of 4 stars). 2 submissions from 2 submitters: Likely benign (2). Last evaluated 2018-05-22.

Allele frequency attached by ClinVar (database versions not stated): gnomAD exomes 0.00001 and 0.00002; ExAC 0.00002; TOPMed 0.00004.
gnomAD v4.1: 18 of 1,613,618 alleles (0.0011%); highest among the groups gnomAD compares: Admixed American, 0.005%; no homozygotes.

Submissions (2):

Blueprint Genetics
Classification: Likely benign. Last evaluated: 2018-05-22. Review status: criteria provided, single submitter. Criteria: ACMG Guidelines, 2015. Collection method: clinical testing. Allele origin: germline.

GeneDx
Classification: Likely benign. Last evaluated: 2018-04-10. Review status: criteria provided, single submitter. Criteria: GeneDx Variant Classification (06012015). Collection method: clinical testing. Allele origin: germline. Affected: yes.
Comment: This variant is considered likely benign or benign based on one or more of the following criteria: it is a conservative change, it occurs at a poorly conserved position in the protein, it is predicted to be benign by multiple in silico algorithms, and/or has population frequency not consistent with disease.

NM_001267550.2(TTN):c.88124G>A (p.Arg29375His)

Genes: TTN-AS1 (TTN antisense RNA 1; plus strand), TTN (titin; minus strand). Cytogenetic location: 2q31.2.
Variant type: single nucleotide variant.
Coding change: c.88124G>A on transcript NM_001267550.2 (MANE Select); coding-DNA position 88124, G replaced by A.
Protein change: p.Arg29375His; replaces arginine 29375 with histidine.
Molecular consequence: missense variant.
Genome position (GRCh38, 1-based): chr2:178,557,030, C>T on the plus strand (G>A on the coding strand, the complement: TTN is on the minus strand). VCF-style: chr2-178557030-C-T. GRCh37 (hg19) VCF-style: chr2-179421757-C-T.
Other names: c.83201G>A, p.Arg27734His (NM_001256850.1); c.60929G>A, p.Arg20310His (NM_003319.4); c.80420G>A, p.Arg26807His (NM_133378.4); c.61304G>A, p.Arg20435His (NM_133432.3); c.61505G>A, p.Arg20502His (NM_133437.4); short protein forms R20435H, R20502H, R26807H, R29375H, R27734H, R20310H.
Identifiers: ClinVar variation 682206 (VCV000682206.2), dbSNP rs761246441, ClinGen allele CA1988194.